The following is an entry in ClinVar:

ClinVar aggregate classification (germline): Uncertain significance (1 of 4 stars; one submission).

gnomAD v4.1: 1 of 1,208,224 alleles (0.000083%); no homozygotes.

Submission:

GeneDx
Classification: Uncertain significance. Last evaluated: 2023-09-03. Review status: criteria provided, single submitter. Criteria: GeneDx Variant Classification Process June 2021. Collection method: clinical testing. Allele origin: germline. Affected: yes.
Comment: Not observed at significant frequency in large population cohorts (gnomAD); Has not been previously published as pathogenic or benign to our knowledge; Variants in candidate genes are classified as variants of uncertain significance in accordance with ACMG guidelines (Richards et al., 2015); Nonsense variant predicted to result in protein truncation as the last 1 amino acid is lost in a gene for which loss-of-function is not an established mechanism of disease

NM_000808.4(GABRA3):c.1474C>T (p.Gln492Ter)

Gene: GABRA3 (gamma-aminobutyric acid type A receptor subunit alpha3; minus strand). Cytogenetic location: Xq28.
Variant type: single nucleotide variant.
Coding change: c.1474C>T on transcript NM_000808.4 (MANE Select); coding-DNA position 1474, C replaced by T.
Protein change: p.Gln492Ter; replaces glutamine 492 with a stop codon.
Molecular consequence: nonsense.
Genome position (GRCh38, 1-based): chrX:152,168,233, G>A on the plus strand (C>T on the coding strand, the complement: GABRA3 is on the minus strand). VCF-style: chrX-152168233-G-A. GRCh37 (hg19) VCF-style: chrX-151336705-G-A.
Other names: short protein forms Q492*.
Identifiers: ClinVar variation 4532372 (VCV004532372.1).